The following is an entry in ClinVar:

NM_000038.6(APC):c.2353C>G (p.His785Asp)

Gene: APC (APC regulator of Wnt signaling pathway; plus strand). Cytogenetic location: 5q22.2.
Variant type: single nucleotide variant.
Coding change: c.2353C>G on transcript NM_000038.6 (MANE Select); coding-DNA position 2353, C replaced by G.
Protein change: p.His785Asp; replaces histidine 785 with aspartic acid.
Molecular consequence: missense variant. On other transcripts: non-coding transcript variant (2).
Genome position (GRCh38, 1-based): chr5:112,837,947, C>G. VCF-style: chr5-112837947-C-G. GRCh37 (hg19) VCF-style: chr5-112173644-C-G.
Other names: c.2353C>G, p.His785Asp (NM_001127510.3, NM_001354895.2, NM_001407450.1); c.2299C>G, p.His767Asp (NM_001127511.3); c.2407C>G, p.His803Asp (NM_001354896.2, NM_001407447.1, NM_001407448.1 and 1 more transcripts); c.2383C>G, p.His795Asp (NM_001354897.2); c.2278C>G, p.His760Asp (NM_001354898.2); c.2269C>G, p.His757Asp (NM_001354899.2); c.2230C>G, p.His744Asp (NM_001354900.2); c.2176C>G, p.His726Asp (NM_001354901.2, NM_001407453.1); and 11 more; short protein forms H767D, H778D, H694D, H813D, H401D, H502D, H625D, H656D.
Identifiers: ClinVar variation 4778396 (VCV004778396.1).

ClinVar aggregate classification (germline): Uncertain significance (1 of 4 stars; one submission).

Conditions:
Familial adenomatous polyposis 1 (FAP1). Also called: FAMILIAL ADENOMATOUS POLYPOSIS 1, ATTENUATED; POLYPOSIS, ADENOMATOUS INTESTINAL. Identifiers: MedGen C2713442, MONDO:0021056, OMIM 175100. Disease mechanism: loss of function.

Submission:

Labcorp Genetics (formerly Invitae), Labcorp
Classification: Uncertain significance for Familial adenomatous polyposis 1. Last evaluated: 2025-03-19. Review status: criteria provided, single submitter. Criteria: Invitae Variant Classification Sherloc (09022015). Collection method: clinical testing. Allele origin: germline.
Comment: This sequence change replaces histidine, which is basic and polar, with aspartic acid, which is acidic and polar, at codon 785 of the APC protein (p.His785Asp). This variant is not present in population databases (gnomAD no frequency). This variant has not been reported in the literature in individuals affected with APC-related conditions. Invitae Evidence Modeling of protein sequence and biophysical properties (such as structural, functional, and spatial information, amino acid conservation, physicochemical variation, residue mobility, and thermodynamic stability) indicates that this missense variant is not expected to disrupt APC protein function with a negative predictive value of 95%. In summary, the available evidence is currently insufficient to determine the role of this variant in disease. Therefore, it has been classified as a Variant of Uncertain Significance.